The following is an entry in ClinVar:

NM_001369.3(DNAH5):c.4189_4191delinsT (p.Thr1397fs)

Genes: DNAH5 (dynein axonemal heavy chain 5; minus strand), DNAH5-AS1 (DNAH5 antisense RNA 1; plus strand). Cytogenetic location: 5p15.2.
Variant type: Indel.
Coding change: c.4189_4191delinsT on transcript NM_001369.3 (MANE Select); coding-DNA positions 4189 to 4191, ACA replaced by T.
Protein change: p.Thr1397fs; shifts the reading frame from threonine 1397.
Molecular consequence: frameshift variant.
Genome position (GRCh38, 1-based): chr5:13,865,832-13,865,834, TGT replaced by A on the plus strand (ACA replaced by T on the coding strand, the reverse complement: DNAH5 is on the minus strand). VCF-style: chr5-13865832-TGT-A. GRCh37 (hg19) VCF-style: chr5-13865941-TGT-A.
Other names: short protein forms T1397fs.
Identifiers: ClinVar variation 1725427 (VCV001725427.2), dbSNP rs2546983059, ClinGen allele CA2580072122.

ClinVar aggregate classification (germline): Likely pathogenic (1 of 4 stars; one submission).

Conditions:
Primary ciliary dyskinesia 3. Identifiers: Orphanet 244, MedGen C1837618, MONDO:0012085, OMIM 608644.

Submission:

Myriad Genetics, Inc.
Classification: Likely pathogenic for Primary ciliary dyskinesia 3. Last evaluated: 2022-03-20. Review status: criteria provided, single submitter. Criteria: Myriad Women's Health Autosomal Recessive and X-Linked Classification Criteria (2021). Collection method: clinical testing. Allele origin: unknown.
Comment: NM_001369.2(DNAH5):c.4189_4191delACAinsT(T1397Sfs*7) is expected to be pathogenic in the context of DNAH5-related primary ciliary dyskinesia. This variant is predicted to lead to an abnormal or absent protein product due to the creation of a premature termination codon in DNAH5, a gene where loss-of-function variants are known to be pathogenic. Please note: this variant was assessed in the context of healthy population screening.